The following is an entry in ClinVar:

ClinVar aggregate classification (germline): Likely pathogenic. Review status: reviewed by expert panel (3 of 4 stars). 3 submissions from 3 submitters: Likely pathogenic (1). 2 of the submissions do not count toward it. Last evaluated 2026-03-24.

Conditions:
ABCA4-related retinopathy. Also called: ABCA4 retinoapthy; ABCA4-related retinoapthy. Identifiers: MedGen CN322612, MONDO:0800406.
Severe early-childhood-onset retinal dystrophy (STGD1). Also called: Stargardt macular dystrophy; Juvenile onset macular degeneration; Stargardt disease 1; MACULAR DYSTROPHY WITH FLECKS, TYPE 1; STGD. Identifiers: Orphanet 364055, Orphanet 827, MedGen C1855465, MeSH D000080362, MONDO:0009549, OMIM 248200.

Submissions (3):

ClinGen ABCA4 Variant Curation Expert Panel, Clingen
Classification: Likely pathogenic for ABCA4-related retinopathy. Last evaluated: 2026-03-24. Review status: reviewed by expert panel. Criteria: ClinGen ABCA4 ACMG Specifications V1.0.0. Collection method: curation. Allele origin: germline. Inheritance: Autosomal recessive inheritance.
Comment: The NM_000350.3(ABCA4):c.6397T>C;p.Cys2133Arg variant in ABCA4 is a missense variant predicted to cause substitution of cysteine by arginine at amino acid 2133. This variant is absent from gnomAD v4.1.0 (PM2_Supporting). The computational predictor REVEL gives a score of 0.978, which is above the threshold of >0.772 meeting PP3_Moderate. The prevalence of the variant in affected individuals is significantly increased compared with the prevalence in controls with an OR of infinity and CI 2.24-infinity meeting PS4 (PMID: 35120629). This variant has been detected in at least 3 individuals with ABCA4-related retinopathy. Of those individuals, two were compound heterozygous for a pathogenic or likely pathogenic variant (c.4555delA p.(T1519Rfs*5); c.3113C>T p.(Ala1038Val)) and none were confirmed in trans (PM3_Supporting; PMIDs: 33846575, 32893963). In summary, this variant meets the criteria to be classified as likely pathogenic for ABCA4-related retinopathy based on the ACMG/AMP criteria applied, as specified by the ClinGen ABCA4 VCEP (Specification Version 1.0.0): PS4, PM2_Supporting, PP3_Moderate, PM3_Supporting.

Labcorp Genetics (formerly Invitae), Labcorp
Classification: Pathogenic. Last evaluated: 2025-05-16. Review status: criteria provided, single submitter. Criteria: Invitae Variant Classification Sherloc (09022015). Collection method: clinical testing. Allele origin: germline. Not counted in ClinVar's aggregate classification.
Comment: This sequence change replaces cysteine, which is neutral and slightly polar, with arginine, which is basic and polar, at codon 2133 of the ABCA4 protein (p.Cys2133Arg). This variant is not present in population databases (gnomAD no frequency). This missense change has been observed in individual(s) with Stargardt disease (PMID: 33846575; internal data). ClinVar contains an entry for this variant (Variation ID: 2021273). Invitae Evidence Modeling of protein sequence and biophysical properties (such as structural, functional, and spatial information, amino acid conservation, physicochemical variation, residue mobility, and thermodynamic stability) indicates that this missense variant is expected to disrupt ABCA4 protein function with a positive predictive value of 95%. For these reasons, this variant has been classified as Pathogenic.

Ophthalmo-Genetics Lab, Instituto de Oftalmologia Conde de Valenciana
Classification: Pathogenic for Severe early-childhood-onset retinal dystrophy. Review status: no assertion criteria provided. Collection method: research. Allele origin: germline. Inheritance: Autosomal recessive inheritance. Affected: yes. Not counted in ClinVar's aggregate classification.

Literature cited by the submitters: PubMed 33846575 (cited by Labcorp Genetics (formerly Invitae), Labcorp); PubMed 12192456 (cited by Ophthalmo-Genetics Lab, Instituto de Oftalmologia Conde de Valenciana).

NM_000350.3(ABCA4):c.6397T>C (p.Cys2133Arg)

Gene: ABCA4 (ATP binding cassette subfamily A member 4; minus strand). Cytogenetic location: 1p22.1.
Variant type: single nucleotide variant.
Coding change: c.6397T>C on transcript NM_000350.3 (MANE Select); coding-DNA position 6397, T replaced by C.
Protein change: p.Cys2133Arg; replaces cysteine 2133 with arginine.
Molecular consequence: missense variant.
Genome position (GRCh38, 1-based): chr1:94,000,918, A>G on the plus strand (T>C on the coding strand, the complement: ABCA4 is on the minus strand). VCF-style: chr1-94000918-A-G. GRCh37 (hg19) VCF-style: chr1-94466474-A-G.
Other names: NM_000350.3(ABCA4):c.6397T>C; p.Cys2133Arg; c.6175T>C, p.Cys2059Arg (NM_001425324.1); short protein forms C2133R, C2059R.
Identifiers: ClinVar variation 2021273 (VCV002021273.6), dbSNP rs2523624176, ClinGen allele CA341277387.